The following is an entry in ClinVar:

ClinVar aggregate classification (germline): Uncertain significance (1 of 4 stars; one submission).

Conditions:
ADCY3-related disorder. Also called: ADCY3-related condition.

Allele frequency attached by ClinVar (database versions not stated): gnomAD exomes 0.00001; TOPMed 0.00001; ExAC 0.00002; gnomAD 0.00002.
gnomAD v4.1: 15 of 1,614,014 alleles (0.00093%); highest among the groups gnomAD compares: Non-Finnish European, 0.0012%; no homozygotes.

Submission:

PreventionGenetics, part of Exact Sciences
Classification: Uncertain significance for ADCY3-related condition. Last evaluated: 2025-03-12. Review status: criteria provided, single submitter. Criteria: ACMG Guidelines, 2015. Collection method: clinical testing. Allele origin: germline.
Comment: The ADCY3 c.1407T>G variant is predicted to result in the amino acid substitution p.Asp469Glu. To our knowledge, this variant has not been reported in the literature. This variant is reported in 0.0039% of alleles in individuals of European (Non-Finnish) descent in gnomAD. At this time, the clinical significance of this variant is uncertain due to the absence of conclusive functional and genetic evidence.

NM_004036.5(ADCY3):c.1407T>G (p.Asp469Glu)

Gene: ADCY3 (adenylate cyclase 3; minus strand). Cytogenetic location: 2p23.3.
Variant type: single nucleotide variant.
Coding change: c.1407T>G on transcript NM_004036.5 (MANE Select); coding-DNA position 1407, T replaced by G.
Protein change: p.Asp469Glu; replaces aspartic acid 469 with glutamic acid.
Molecular consequence: missense variant.
Genome position (GRCh38, 1-based): chr2:24,838,571, A>C on the plus strand (T>G on the coding strand, the complement: ADCY3 is on the minus strand). VCF-style: chr2-24838571-A-C. GRCh37 (hg19) VCF-style: chr2-25061440-A-C.
Other names: c.1407T>G, p.Asp469Glu (NM_001320613.2, NM_001377129.1, NM_001377130.1 and 1 more transcripts); c.1473T>G, p.Asp491Glu (NM_001377128.1); c.684T>G, p.Asp228Glu (NM_001377131.1); short protein forms D228E, D469E, D491E.
Identifiers: ClinVar variation 3037634 (VCV003037634.3), dbSNP rs769328260, ClinGen allele CA1554133.